The following is an entry in ClinVar:

ClinVar aggregate classification (germline): Uncertain significance. Review status: criteria provided, multiple submitters, no conflicts (2 of 4 stars). 2 submissions from 2 submitters: Uncertain significance (2). Last evaluated 2025-01-08.

Conditions:
Inborn genetic diseases. Identifiers: MedGen C0950123, MeSH D030342.
Ellis-van Creveld syndrome (EVC). Also called: MESOECTODERMAL DYSPLASIA; EVC-Related Ellis-van Creveld Syndrome; EVC2-Related Ellis-van Creveld Syndrome; Chondroectodermal dysplasia. Identifiers: Orphanet 289, MedGen C0013903, MONDO:0009162, OMIM 225500.
Curry-Hall syndrome (WAD). Also called: WEYERS ACRODENTAL DYSOSTOSIS. Identifiers: Orphanet 952, MedGen C0457013, MONDO:0008673, OMIM 193530.

Allele frequency attached by ClinVar (database versions not stated): ExAC 0.00010; gnomAD 0.00019; ESP Exome Variant Server 0.00023; TOPMed 0.00024.
gnomAD v4.1: 117 of 1,613,914 alleles (0.0072%); highest among the groups gnomAD compares: Admixed American, 0.035%; 3 homozygotes.

Submissions (2):

Labcorp Genetics (formerly Invitae), Labcorp
Classification: Uncertain significance for Curry-Hall syndrome; Ellis-van Creveld syndrome. Last evaluated: 2025-01-08. Review status: criteria provided, single submitter. Criteria: Invitae Variant Classification Sherloc (09022015). Collection method: clinical testing. Allele origin: germline.
Comment: This sequence change replaces arginine, which is basic and polar, with cysteine, which is neutral and slightly polar, at codon 827 of the EVC2 protein (p.Arg827Cys). This variant is present in population databases (rs373953980, gnomAD 0.04%). This variant has not been reported in the literature in individuals affected with EVC2-related conditions. ClinVar contains an entry for this variant (Variation ID: 2037286). An algorithm developed to predict the effect of missense changes on protein structure and function (PolyPhen-2) suggests that this variant¬¨‚Ä†is likely to be tolerated. In summary, the available evidence is currently insufficient to determine the role of this variant in disease. Therefore, it has been classified as a Variant of Uncertain Significance.

Ambry Genetics
Classification: Uncertain significance for Inborn genetic diseases. Last evaluated: 2024-01-03. Review status: criteria provided, single submitter. Criteria: Ambry Variant Classification Scheme 2023. Collection method: clinical testing. Allele origin: germline.

NM_147127.5(EVC2):c.2479C>T (p.Arg827Cys)

Gene: EVC2 (EvC ciliary complex subunit 2; minus strand). Cytogenetic location: 4p16.2.
Variant type: single nucleotide variant.
Coding change: c.2479C>T on transcript NM_147127.5 (MANE Select); coding-DNA position 2479, C replaced by T.
Protein change: p.Arg827Cys; replaces arginine 827 with cysteine.
Molecular consequence: missense variant.
Genome position (GRCh38, 1-based): chr4:5,622,559, G>A on the plus strand (C>T on the coding strand, the complement: EVC2 is on the minus strand). VCF-style: chr4-5622559-G-A. GRCh37 (hg19) VCF-style: chr4-5624286-G-A.
Other names: c.2239C>T, p.Arg747Cys (NM_001166136.2); c.2479C>T (NM_147127.4); short protein forms R827C, R747C.
Identifiers: ClinVar variation 2037286 (VCV002037286.3), dbSNP rs373953980, ClinGen allele CA2834714.
Genomic context (GRCh38, chr4:5,622,559, plus strand): 5'-GATGGGGAGGGGTGATTACGACCCGCAAAGGCACTCACATGAAGATCAGGTGCTCCCAGC[G>A]TCGCAGCTCTGCCTGCTCCTCTGTCACGGCCTCAGGAGCGTCATCCTTCAGTCTCTGCCT-3'
Protein context (NP_667338.3, residues 817-837): AVTEEQAELR[Arg827Cys]WEHLIFMKLC